The following is an entry in ClinVar:

NM_000059.4(BRCA2):c.1851del (p.Ala618fs)

Gene: BRCA2 (BRCA2 DNA repair associated; plus strand). Cytogenetic location: 13q13.1.
Variant type: Deletion.
Coding change: c.1851del on transcript NM_000059.4 (MANE Select); coding-DNA position 1851, one base deleted (A; older notation c.1851delA).
Protein change: p.Ala618fs; shifts the reading frame from alanine 618.
Molecular consequence: frameshift variant.
Genome position (GRCh38, 1-based): chr13:32,333,329, A deleted. VCF-style (leftmost placement, unchanged base first): chr13-32333328-CA-C. GRCh37 (hg19) VCF-style: chr13-32907465-CA-C.
Other names: short protein forms A618fs.
Identifiers: ClinVar variation 1074034 (VCV001074034.7), dbSNP rs2137475653, ClinGen allele CA2499222090.

ClinVar aggregate classification (germline): Pathogenic (1 of 4 stars; one submission).

Conditions:
Hereditary breast ovarian cancer syndrome. Also called: Hereditary breast and ovarian cancer syndrome (HBOC); Hereditary breast and/or ovarian cancer syndrome; Hereditary breast and ovarian cancer; BRCA1- and BRCA2-Associated Hereditary Breast and Ovarian Cancer; Hereditary breast and ovarian cancer syndrome; Breast and ovarian cancer. Identifiers: Orphanet 145, MedGen C0677776, MeSH D061325, MONDO:0003582. Disease mechanism: loss of function.

Submission:

Labcorp Genetics (formerly Invitae), Labcorp
Classification: Pathogenic for Hereditary breast ovarian cancer syndrome. Last evaluated: 2020-05-23. Review status: criteria provided, single submitter. Criteria: Invitae Variant Classification Sherloc (09022015). Collection method: clinical testing. Allele origin: germline.
Comment: This sequence change creates a premature translational stop signal (p.Ala618Profs*26) in the BRCA2 gene. It is expected to result in an absent or disrupted protein product. For these reasons, this variant has been classified as Pathogenic. Loss-of-function variants in BRCA2 are known to be pathogenic (PMID: 20104584). This variant has not been reported in the literature in individuals with BRCA2-related conditions. This variant is not present in population databases (ExAC no frequency).

Literature cited by the submitters: PubMed 20104584.